The following is an entry in ClinVar:

ClinVar aggregate classification (germline): Pathogenic (1 of 4 stars; one submission).

Submission:

Labcorp Genetics (formerly Invitae), Labcorp
Classification: Pathogenic. Last evaluated: 2023-07-09. Review status: criteria provided, single submitter. Criteria: Invitae Variant Classification Sherloc (09022015). Collection method: clinical testing. Allele origin: germline.
Comment: This variant is not present in population databases (gnomAD no frequency). This variant has not been reported in the literature in individuals affected with COL7A1-related conditions. Algorithms developed to predict the effect of sequence changes on RNA splicing suggest that this variant may disrupt the consensus splice site. For these reasons, this variant has been classified as Pathogenic. This sequence change creates a premature translational stop signal (p.Phe41Tyrfs*49) in the COL7A1 gene. It is expected to result in an absent or disrupted protein product. Loss-of-function variants in COL7A1 are known to be pathogenic (PMID: 16971478).

Literature cited by the submitters: PubMed 16971478.

NM_000094.4(COL7A1):c.115_121dup (p.Phe41fs)

Gene: COL7A1 (collagen type VII alpha 1 chain; minus strand). Cytogenetic location: 3p21.31.
Variant type: Duplication.
Coding change: c.115_121dup on transcript NM_000094.4 (MANE Select); coding-DNA positions 115 to 121, 7 bases duplicated (ATTGTGT; older notation c.115_121dupATTGTGT).
Protein change: p.Phe41fs; shifts the reading frame from phenylalanine 41.
Molecular consequence: frameshift variant.
Genome position (GRCh38, 1-based): chr3:48,594,513-48,594,519, ACACAAT duplicated on the plus strand (ATTGTGT on the coding strand, the reverse complement: COL7A1 is on the minus strand). VCF-style (leftmost placement, unchanged base first): chr3-48594512-A-AACACAAT. GRCh37 (hg19) VCF-style: chr3-48631945-A-AACACAAT.
Other names: short protein forms F41fs.
Identifiers: ClinVar variation 2739527 (VCV002739527.3), dbSNP rs2531366507, ClinGen allele CA2697550883.